The following is an entry in ClinVar:

ClinVar aggregate classification (germline): Uncertain significance (1 of 4 stars; one submission).

Conditions:
Autosomal recessive limb-girdle muscular dystrophy type 2O. Also called: Limb-Girdle Muscular Dystrophy Type 3C; MUSCULAR DYSTROPHY-DYSTROGLYCANOPATHY (LIMB-GIRDLE), TYPE C, 3; MUSCULAR DYSTROPHY-DYSTROGLYCANOPATHY, LIMB-GIRDLE, POMGNT1-RELATED. Identifiers: Orphanet 206564, MedGen C3150417, MONDO:0013161, OMIM 613157.
Muscular dystrophy-dystroglycanopathy (congenital with impaired intellectual development), type B, 3. Also called: MUSCULAR DYSTROPHY, CONGENITAL, POMGNT1-RELATED; Muscular dystrophy-dystroglycanopathy (congenital with intellectual disability), type B3. Identifiers: MedGen C3150412, MONDO:0013155, OMIM 613151.

Allele frequency attached by ClinVar (database versions not stated): gnomAD exomes below 0.00001.

Submission:

Labcorp Genetics (formerly Invitae), Labcorp
Classification: Uncertain significance for Autosomal recessive limb-girdle muscular dystrophy type 2O; Muscular dystrophy-dystroglycanopathy (congenital with impaired intellectual development), type B, 3. Last evaluated: 2022-02-10. Review status: criteria provided, single submitter. Criteria: Invitae Variant Classification Sherloc (09022015). Collection method: clinical testing. Allele origin: germline.
Comment: In summary, the available evidence is currently insufficient to determine the role of this variant in disease. Therefore, it has been classified as a Variant of Uncertain Significance. Advanced modeling of protein sequence and biophysical properties (such as structural, functional, and spatial information, amino acid conservation, physicochemical variation, residue mobility, and thermodynamic stability) performed at Invitae indicates that this missense variant is not expected to disrupt POMGNT1 protein function. This variant has not been reported in the literature in individuals affected with POMGNT1-related conditions. This variant is not present in population databases (gnomAD no frequency). This sequence change replaces proline, which is neutral and non-polar, with serine, which is neutral and polar, at codon 87 of the POMGNT1 protein (p.Pro87Ser).

NM_017739.4(POMGNT1):c.259C>T (p.Pro87Ser)

Gene: POMGNT1 (protein O-linked mannose N-acetylglucosaminyltransferase 1 (beta 1,2-); minus strand). Cytogenetic location: 1p34.1.
Variant type: single nucleotide variant.
Coding change: c.259C>T on transcript NM_017739.4 (MANE Select); coding-DNA position 259, C replaced by T.
Protein change: p.Pro87Ser; replaces proline 87 with serine.
Molecular consequence: missense variant. On other transcripts: 5 prime UTR variant (1).
Genome position (GRCh38, 1-based): chr1:46,196,826, G>A on the plus strand (C>T on the coding strand, the complement: POMGNT1 is on the minus strand). VCF-style: chr1-46196826-G-A. GRCh37 (hg19) VCF-style: chr1-46662498-G-A.
Other names: c.259C>T, p.Pro87Ser (NM_001243766.2, NM_001410783.1); c.193C>T, p.Pro65Ser (NM_001290129.3); c.-171C>T (NM_001290130.2); short protein forms P87S, P65S.
Identifiers: ClinVar variation 1410512 (VCV001410512.6), dbSNP rs1557677993, ClinGen allele CA340191705.